The following is an entry in ClinVar:

NM_001042492.3(NF1):c.3545T>G (p.Val1182Gly)

Gene: NF1 (neurofibromin 1; plus strand). Cytogenetic location: 17q11.2.
Variant type: single nucleotide variant.
Coding change: c.3545T>G on transcript NM_001042492.3 (MANE Select); coding-DNA position 3545, T replaced by G.
Protein change: p.Val1182Gly; replaces valine 1182 with glycine.
Molecular consequence: missense variant.
Genome position (GRCh38, 1-based): chr17:31,233,050, T>G. VCF-style: chr17-31233050-T-G. GRCh37 (hg19) VCF-style: chr17-29560068-T-G.
Other names: c.3545T>G, p.Val1182Gly (NM_000267.4); short protein forms V1182G.
Identifiers: ClinVar variation 2413002 (VCV002413002.8), dbSNP rs2067142076, ClinGen allele CA398989973.

ClinVar aggregate classification (germline): Conflicting classifications of pathogenicity. Review status: criteria provided, conflicting classifications (1 of 4 stars). 3 submissions from 3 submitters: Likely pathogenic (2); Uncertain significance (1). Last evaluated 2023-08-04.

Conditions:
Neurofibromatosis, type 1 (NF1). Also called: Peripheral type neurofibromatosis; VON RECKLINGHAUSEN DISEASE; NEUROFIBROMATOSIS, TYPE I, SOMATIC; Neurofibromatosis, type I. Identifiers: Orphanet 636, MedGen C0027831, MONDO:0018975, OMIM 162200. Disease mechanism: loss of function.

Submissions (3):

Labcorp Genetics (formerly Invitae), Labcorp
Classification: Uncertain significance for Neurofibromatosis, type 1. Last evaluated: 2023-08-04. Review status: criteria provided, single submitter. Criteria: Invitae Variant Classification Sherloc (09022015). Collection method: clinical testing. Allele origin: germline.
Comment: This sequence change replaces valine, which is neutral and non-polar, with glycine, which is neutral and non-polar, at codon 1182 of the NF1 protein (p.Val1182Gly). This variant is not present in population databases (gnomAD no frequency). This missense change has been observed in individual(s) with congenital heart disease (PMID: 32368696). ClinVar contains an entry for this variant (Variation ID: 2413002). Advanced modeling of protein sequence and biophysical properties (such as structural, functional, and spatial information, amino acid conservation, physicochemical variation, residue mobility, and thermodynamic stability) performed at Invitae indicates that this missense variant is expected to disrupt NF1 protein function. This variant disrupts the p.Val1182 amino acid residue in NF1. Other variant(s) that disrupt this residue have been determined to be pathogenic (Invitae). This suggests that this residue is clinically significant, and that variants that disrupt this residue are likely to be disease-causing. In summary, the available evidence is currently insufficient to determine the role of this variant in disease. Therefore, it has been classified as a Variant of Uncertain Significance.

GeneDx
Classification: Likely pathogenic. Last evaluated: 2022-07-26. Review status: criteria provided, single submitter. Criteria: GeneDx Variant Classification Process June 2021. Collection method: clinical testing. Allele origin: germline. Affected: yes.
Comment: Observed de novo in a patient with congenital heart disease in published literature; however, additional clinical information was not provided (Kosmicki et al., 2017); Not observed at significant frequency in large population cohorts (gnomAD); In silico analysis supports that this missense variant has a deleterious effect on protein structure/function; This variant is associated with the following publications: (PMID: 32368696, 28191890, 25486365, 2121369, 22807134)

Juno Genomics, Hangzhou Juno Genomics, Inc
Classification: Likely pathogenic for Neurofibromatosis, type 1. Review status: criteria provided, single submitter. Criteria: ACMG Guidelines, 2015. Collection method: clinical testing. Allele origin: germline. Affected: yes.
Comment: Absent from controls (or at extremely low frequency if recessive) in Genome Aggregation Database, Exome Sequencing Project, 1000 Genomes Project, or Exome Aggregation Consortium.;Novel missense change at an amino acid residue where a different missense change determined to be pathogenic has been seen before.;Assumed de novo, but without confirmation of paternity and maternity.;Missense variant in a gene that has a low rate of benign missense variation and where missense variants are a common mechanism of disease.;Multiple lines of computational evidence support a deleterious effect on the gene or gene product (conservation, evolutionary, splicing impact, etc).;Patient's phenotype or family history is highly specific for a disease with a single genetic etiology.

Literature cited by the submitters: PubMed 32368696 (cited by Labcorp Genetics (formerly Invitae), Labcorp).